The following is an entry in ClinVar:

ClinVar aggregate classification (germline): Uncertain significance (1 of 4 stars; one submission).

gnomAD v4.1: 11 of 1,614,156 alleles (0.00068%); highest among the groups gnomAD compares: East Asian, 0.02%; no homozygotes.

Submission:

Labcorp Genetics (formerly Invitae), Labcorp
Classification: Uncertain significance. Last evaluated: 2025-12-08. Review status: criteria provided, single submitter. Criteria: Invitae Variant Classification Sherloc (09022015). Collection method: clinical testing. Allele origin: germline.
Comment: This sequence change replaces glutamine, which is neutral and polar, with arginine, which is basic and polar, at codon 1157 of the FOCAD protein (p.Gln1157Arg). This variant is present in population databases (rs188287490, gnomAD 0.01%). This variant has not been reported in the literature in individuals affected with FOCAD-related conditions. Experimental studies and prediction algorithms are not available or were not evaluated, and the functional significance of this variant is currently unknown. In summary, the available evidence is currently insufficient to determine the role of this variant in disease. Therefore, it has been classified as a Variant of Uncertain Significance.

NM_001375567.1(FOCAD):c.3470A>G (p.Gln1157Arg)

Gene: FOCAD (focadhesin; plus strand). Cytogenetic location: 9p21.3.
Variant type: single nucleotide variant.
Coding change: c.3470A>G on transcript NM_001375567.1 (MANE Select); coding-DNA position 3470, A replaced by G.
Protein change: p.Gln1157Arg; replaces glutamine 1157 with arginine.
Molecular consequence: missense variant.
Genome position (GRCh38, 1-based): chr9:20,944,689, A>G. VCF-style: chr9-20944689-A-G. GRCh37 (hg19) VCF-style: chr9-20944688-A-G.
Other names: c.3365A>G, p.Gln1122Arg (NM_001375568.1, NM_001375570.1); c.3470A>G, p.Gln1157Arg (NM_017794.5); short protein forms Q1122R, Q1157R.
Identifiers: ClinVar variation 4705639 (VCV004705639.1).